The following is an entry in ClinVar:

GRCh38/hg38 15q11.2(chr15:22590297-23102647)x1

Genes: CYFIP1 (cytoplasmic FMR1 interacting protein 1; minus strand), NIPA1 (NIPA magnesium transporter 1; plus strand), NIPA2 (NIPA magnesium transporter 2; plus strand), TUBGCP5 (tubulin gamma complex component 5; minus strand), LOC112272575 (Sharpr-MPRA regulatory region 8478; plus strand) and 15 more. Cytogenetic location: 15q11.2.
Variant type: copy number loss.
Change: copy number 1 (one copy instead of two) of chr15:22,590,297-23,102,647 (512.4 kb, GRCh38 coordinates, 1-based), cytogenetic band 15q11.2.
Identifiers: ClinVar variation 155215 (VCV000155215.3).

ClinVar aggregate classification (germline): conflicting data from submitters (0 of 4 stars; one submission).

Submission:

ISCA site 1
Classification: conflicting data from submitters. Last evaluated: 2016-03-10. Review status: no assertion criteria provided. Collection method: clinical testing. Allele origin: unknown, maternal, paternal, de novo. Affected: yes. Observed: 27 variant alleles. Clinical features observed: Seizures (HP:0001250), Microcephaly (HP:0000252), Global developmental delay (HP:0001263), Encephalopathy (HP:0001298), Autistic behavior (HP:0000729), Muscle weakness (HP:0001324), Autism (HP:0000717), Hypospadias (HP:0000047), Abnormality of the ear (HP:0000598), Hip dysplasia (HP:0001385), Talipes equinovarus (HP:0001762), Rocker bottom foot (HP:0001838), and 16 more.
Comment: Uncertain significance(21), Likely benign (6)

Copy number variation identified through the course of routine clinical cytogenomic testing in postnatal populations, with clinical assertions as classified by the original submitter. For data from the original published study, Kaminsky, et al. 2011 (PubMed 21844811), please see nstd101.